The following is an entry in ClinVar:

NM_006059.4(LAMC3):c.3592A>G (p.Arg1198Gly)

Gene: LAMC3 (laminin subunit gamma 3; plus strand). Cytogenetic location: 9q34.12.
Variant type: single nucleotide variant.
Coding change: c.3592A>G on transcript NM_006059.4 (MANE Select); coding-DNA position 3592, A replaced by G.
Protein change: p.Arg1198Gly; replaces arginine 1198 with glycine.
Molecular consequence: missense variant.
Genome position (GRCh38, 1-based): chr9:131,075,928, A>G. VCF-style: chr9-131075928-A-G. GRCh37 (hg19) VCF-style: chr9-133951315-A-G.
Other names: short protein forms R1198G.
Identifiers: ClinVar variation 1968961 (VCV001968961.3), dbSNP rs892292177, ClinGen allele CA200672257.

ClinVar aggregate classification (germline): Uncertain significance (1 of 4 stars; one submission).

gnomAD v4.1: 1 of 1,610,754 alleles (0.000062%); highest among the groups gnomAD compares: Non-Finnish European, 0.000085%; no homozygotes.

Submission:

Labcorp Genetics (formerly Invitae), Labcorp
Classification: Uncertain significance. Last evaluated: 2022-05-30. Review status: criteria provided, single submitter. Criteria: Invitae Variant Classification Sherloc (09022015). Collection method: clinical testing. Allele origin: germline.
Comment: This sequence change replaces arginine, which is basic and polar, with glycine, which is neutral and non-polar, at codon 1198 of the LAMC3 protein (p.Arg1198Gly). In summary, the available evidence is currently insufficient to determine the role of this variant in disease. Therefore, it has been classified as a Variant of Uncertain Significance. Algorithms developed to predict the effect of missense changes on protein structure and function (SIFT, PolyPhen-2, Align-GVGD) all suggest that this variant is likely to be tolerated. This variant has not been reported in the literature in individuals affected with LAMC3-related conditions. This variant is not present in population databases (gnomAD no frequency).